The following is an entry in ClinVar:

ClinVar aggregate classification (germline): Likely benign (1 of 4 stars; one submission).

Submission:

CeGaT Center for Human Genetics Tuebingen
Classification: Likely benign. Last evaluated: 2026-09-01. Review status: criteria provided, single submitter. Criteria: CeGaT Center For Human Genetics Tuebingen Variant Classification Criteria Version 2. Collection method: clinical testing. Allele origin: germline. Affected: yes. Observed: 2 variant alleles.
Comment: MYO15A: PM2:Supporting, BP4, BP7

NM_016239.4(MYO15A):c.9213C>A (p.Ala3071=)

Gene: MYO15A (myosin XVA; plus strand). Cytogenetic location: 17p11.2.
Variant type: single nucleotide variant.
Coding change: c.9213C>A on transcript NM_016239.4 (MANE Select); coding-DNA position 9213, C replaced by A.
Protein change: p.Ala3071=; no amino-acid change (alanine 3071 retained).
Molecular consequence: synonymous variant.
Genome position (GRCh38, 1-based): chr17:18,159,331, C>A. VCF-style: chr17-18159331-C-A. GRCh37 (hg19) VCF-style: chr17-18062645-C-A.
Identifiers: ClinVar variation 4874338 (VCV004874338.2).
Genomic context (GRCh38, chr17:18,159,331, plus strand): 5'-ACAGACTCCCCTCCAGGAATCCCTCATCGAACTCAGCGACAGCAGCCTCAGCAAGATGGC[C>A]ACCGACATGTTCCTAGGTGTGGGAGTGGGACTGCAGCCAGGGCTCTGGGCTAGGTGGGAT-3'
Protein context (NP_057323.3, residues 3061-3081): ELSDSSLSKM[Ala3071=]TDMFLAVMRF